The following is an entry in ClinVar:

NM_005720.4(ARPC1B):c.989+2T>C

Gene: ARPC1B (actin related protein 2/3 complex subunit 1B; plus strand). Cytogenetic location: 7q22.1.
Variant type: single nucleotide variant.
Coding change: c.989+2T>C on transcript NM_005720.4 (MANE Select); the canonical splice donor site of the intron after coding-DNA position 989, T replaced by C.
Molecular consequence: splice donor variant.
Genome position (GRCh38, 1-based): chr7:99,392,878, T>C. VCF-style: chr7-99392878-T-C. GRCh37 (hg19) VCF-style: chr7-98990501-T-C.
Identifiers: ClinVar variation 3651097 (VCV003651097.2).

ClinVar aggregate classification (germline): Likely pathogenic (1 of 4 stars; one submission).

Submission:

Labcorp Genetics (formerly Invitae), Labcorp
Classification: Likely pathogenic. Last evaluated: 2025-01-24. Review status: criteria provided, single submitter. Criteria: Invitae Variant Classification Sherloc (09022015). Collection method: clinical testing. Allele origin: germline.
Comment: This sequence change affects a donor splice site in intron 8 of the ARPC1B gene. It is expected to disrupt RNA splicing. Variants that disrupt the donor or acceptor splice site typically lead to a loss of protein function (PMID: 16199547), and loss-of-function variants in ARPC1B are known to be pathogenic (PMID: 27965109, 28368018, 29127144). This variant is not present in population databases (gnomAD no frequency). This variant has not been reported in the literature in individuals affected with ARPC1B-related conditions. Algorithms developed to predict the effect of sequence changes on RNA splicing suggest that this variant may disrupt the consensus splice site. In summary, the currently available evidence indicates that the variant is pathogenic, but additional data are needed to prove that conclusively. Therefore, this variant has been classified as Likely Pathogenic.

Literature cited by the submitters: PubMed 16199547; PubMed 27965109; PubMed 28368018; PubMed 29127144.